The following is an entry in ClinVar:

NM_018489.3(ASH1L):c.1907C>G (p.Ser636Ter)

Gene: ASH1L (ASH1 like histone lysine methyltransferase; minus strand). Cytogenetic location: 1q22.
Variant type: single nucleotide variant.
Coding change: c.1907C>G on transcript NM_018489.3 (MANE Select); coding-DNA position 1907, C replaced by G.
Protein change: p.Ser636Ter; replaces serine 636 with a stop codon.
Molecular consequence: nonsense.
Genome position (GRCh38, 1-based): chr1:155,480,963, G>C on the plus strand (C>G on the coding strand, the complement: ASH1L is on the minus strand). VCF-style: chr1-155480963-G-C. GRCh37 (hg19) VCF-style: chr1-155450754-G-C.
Other names: c.1907C>G, p.Ser636Ter (NM_001366177.2); short protein forms S636*.
Identifiers: ClinVar variation 1684510 (VCV001684510.1), dbSNP rs1198775988, ClinGen allele CA342729936.

ClinVar aggregate classification (germline): Likely pathogenic (1 of 4 stars; one submission).

Conditions:
Intellectual developmental disorder, autosomal dominant 52. Also called: Intellectual disability, autosomal dominant 52; Mental retardation, autosomal dominant 52. Identifiers: MedGen C4540478, MONDO:0030918, OMIM 617796.

Submission:

HudsonAlpha Institute for Biotechnology
Classification: Likely pathogenic for Intellectual developmental disorder, autosomal dominant 52. Last evaluated: 2022-02-10. Review status: criteria provided, single submitter. Criteria: ACMG Guidelines, 2015. Collection method: research. Allele origin: maternal. Affected: yes. Observed: 1 variant allele. Study: HudsonAlpha-AGHI-WGS.
Comment: ACMG codes: PVS1,PM2